The following is an entry in ClinVar:

NM_022356.4(P3H1):c.1720+4G>A

Gene: P3H1 (prolyl 3-hydroxylase 1; minus strand). Cytogenetic location: 1p34.2.
Variant type: single nucleotide variant.
Coding change: c.1720+4G>A on transcript NM_022356.4 (MANE Select); 4 bases into the intron after coding-DNA position 1720, G replaced by A.
Molecular consequence: intron variant.
Genome position (GRCh38, 1-based): chr1:42,750,182, C>T on the plus strand (G>A on the coding strand, the complement: P3H1 is on the minus strand). VCF-style: chr1-42750182-C-T. GRCh37 (hg19) VCF-style: chr1-43215853-C-T.
Other names: c.1720+4G>A (NM_001146289.2, NM_001243246.2).
Identifiers: ClinVar variation 468972 (VCV000468972.15), dbSNP rs371232413, ClinGen allele CA801728.

ClinVar aggregate classification (germline): Conflicting classifications of pathogenicity. Review status: criteria provided, conflicting classifications (1 of 4 stars). 4 submissions from 4 submitters: Uncertain significance (2); Likely benign (2). Last evaluated 2025-02-16.

Conditions:
Osteogenesis imperfecta type 8 (OI8). Identifiers: MedGen C1970458, MONDO:0012581, OMIM 610915.
Osteogenesis Imperfecta, Recessive.

Allele frequency attached by ClinVar (database versions not stated): gnomAD exomes 0.00014 and 0.00021; ExAC 0.00018; ESP Exome Variant Server 0.00023; TOPMed 0.00023; gnomAD 0.00029 and 0.00031.
gnomAD v4.1: 340 of 1,611,404 alleles (0.021%); highest among the groups gnomAD compares: Non-Finnish European, 0.027%; no homozygotes.

Submissions (4):

Laboratory of Genetics, Children's Clinical University Hospital Latvia
Classification: Likely benign. Last evaluated: 2025-02-16. Review status: criteria provided, single submitter. Criteria: ACMG Guidelines, 2015. Collection method: clinical testing. Allele origin: germline. Affected: yes.

Labcorp Genetics (formerly Invitae), Labcorp
Classification: Uncertain significance for Osteogenesis imperfecta type 8. Last evaluated: 2025-01-13. Review status: criteria provided, single submitter. Criteria: Invitae Variant Classification Sherloc (09022015). Collection method: clinical testing. Allele origin: germline.
Comment: This sequence change falls in intron 11 of the P3H1 gene. It does not directly change the encoded amino acid sequence of the P3H1 protein. It affects a nucleotide within the consensus splice site. This variant is present in population databases (rs371232413, gnomAD 0.04%). This variant has not been reported in the literature in individuals affected with P3H1-related conditions. ClinVar contains an entry for this variant (Variation ID: 468972). Variants that disrupt the consensus splice site are a relatively common cause of aberrant splicing (PMID: 17576681, 9536098). Algorithms developed to predict the effect of sequence changes on RNA splicing suggest that this variant is not likely to affect RNA splicing. In summary, the available evidence is currently insufficient to determine the role of this variant in disease. Therefore, it has been classified as a Variant of Uncertain Significance.

GeneDx
Classification: Likely benign. Last evaluated: 2018-05-24. Review status: criteria provided, single submitter. Criteria: GeneDx Variant Classification Process June 2021. Collection method: clinical testing. Allele origin: germline. Affected: yes.
Comment: This variant is associated with the following publications: (PMID: 32214361)

Illumina Laboratory Services, Illumina
Classification: Uncertain significance for Osteogenesis Imperfecta, Recessive. Last evaluated: 2017-04-28. Review status: criteria provided, single submitter. Criteria: ICSL Variant Classification Criteria 13 December 2019. Collection method: clinical testing. Allele origin: germline.

Literature cited by the submitters: PubMed 17576681 (cited by Labcorp Genetics (formerly Invitae), Labcorp); PubMed 9536098 (cited by Labcorp Genetics (formerly Invitae), Labcorp).